The following is an entry in ClinVar:

NM_003900.5(SQSTM1):c.673G>C (p.Ala225Pro)

Gene: SQSTM1 (sequestosome 1; plus strand). Cytogenetic location: 5q35.3.
Variant type: single nucleotide variant.
Coding change: c.673G>C on transcript NM_003900.5 (MANE Select); coding-DNA position 673, G replaced by C.
Protein change: p.Ala225Pro; replaces alanine 225 with proline.
Molecular consequence: missense variant.
Genome position (GRCh38, 1-based): chr5:179,824,323, G>C. VCF-style: chr5-179824323-G-C. GRCh37 (hg19) VCF-style: chr5-179251323-G-C.
Other names: c.421G>C, p.Ala141Pro (NM_001142298.2, NM_001142299.2); short protein forms A141P, A225P.
Identifiers: ClinVar variation 3759574 (VCV003759574.2).

ClinVar aggregate classification (germline): Uncertain significance (1 of 4 stars; one submission).

Conditions:
Frontotemporal dementia and/or amyotrophic lateral sclerosis 1 (FTDALS1). Also called: Frontotemporal dementia with motor neuron disease 1; C9orf72 Frontotemporal Dementia and/or Amyotrophic Lateral Sclerosis. Identifiers: Orphanet 275872, MedGen C5779877, MONDO:0007105, OMIM 105550.
Paget disease of bone 2, early-onset (PDB2). Also called: Paget disease of bone 2. Identifiers: MedGen C4085251, MONDO:0011183, OMIM 602080.

gnomAD v4.1: 7 of 1,613,440 alleles (0.00043%); highest among the groups gnomAD compares: East Asian, 0.016%; no homozygotes.

Submission:

Labcorp Genetics (formerly Invitae), Labcorp
Classification: Uncertain significance for Paget disease of bone 2, early-onset; Frontotemporal dementia and/or amyotrophic lateral sclerosis 1. Last evaluated: 2024-10-23. Review status: criteria provided, single submitter. Criteria: Invitae Variant Classification Sherloc (09022015). Collection method: clinical testing. Allele origin: germline.
Comment: This sequence change replaces alanine, which is neutral and non-polar, with proline, which is neutral and non-polar, at codon 225 of the SQSTM1 protein (p.Ala225Pro). This variant also falls at the last nucleotide of exon 4, which is part of the consensus splice site for this exon. This variant is present in population databases (no rsID available, gnomAD 0.006%). This variant has not been reported in the literature in individuals affected with SQSTM1-related conditions. An algorithm developed to predict the effect of missense changes on protein structure and function (PolyPhen-2) suggests that this variant is likely to be disruptive. Variants that disrupt the consensus splice site are a relatively common cause of aberrant splicing (PMID: 17576681, 9536098). Algorithms developed to predict the effect of sequence changes on RNA splicing suggest that this variant may disrupt the consensus splice site. In summary, the available evidence is currently insufficient to determine the role of this variant in disease. Therefore, it has been classified as a Variant of Uncertain Significance.

Literature cited by the submitters: PubMed 17576681; PubMed 9536098.